The following is an entry in ClinVar:

NM_000020.3(ACVRL1):c.1120C>G (p.Arg374Gly)

Gene: ACVRL1 (activin A receptor like type 1; plus strand). Cytogenetic location: 12q13.13.
Variant type: single nucleotide variant.
Coding change: c.1120C>G on transcript NM_000020.3 (MANE Select); coding-DNA position 1120, C replaced by G.
Protein change: p.Arg374Gly; replaces arginine 374 with glycine.
Molecular consequence: missense variant.
Genome position (GRCh38, 1-based): chr12:51,916,107, C>G. VCF-style: chr12-51916107-C-G. GRCh37 (hg19) VCF-style: chr12-52309891-C-G.
Other names: c.1120C>G, p.Arg374Gly (NM_001077401.2); short protein forms R374G.
Identifiers: ClinVar variation 946842 (VCV000946842.10), dbSNP rs28936401, ClinGen allele CA384902394.

ClinVar aggregate classification (germline): Likely pathogenic. Review status: criteria provided, multiple submitters, no conflicts (2 of 4 stars). 2 submissions from 2 submitters: Likely pathogenic (2). Last evaluated 2022-04-06.

Conditions:
ACVRL1-related disorder. Also called: ACVRL1-related disorders; ACVRL1-related condition.
Telangiectasia, hereditary hemorrhagic, type 2 (HHT2). Also called: ACVRL1-Related Hereditary Hemorrhagic Telangiectasia; Telangiectasia, hereditary hemorrhagic, type II. Identifiers: Orphanet 774, MedGen C1838163, MONDO:0010880, OMIM 600376. Disease mechanism: loss of function.

gnomAD v4.1: 1 of 1,613,522 alleles (0.000062%); highest among the groups gnomAD compares: Non-Finnish European, 0.000085%; no homozygotes.

Submissions (2):

Blueprint Genetics
Classification: Likely pathogenic for ACVRL1-related disorders. Last evaluated: 2022-04-06. Review status: criteria provided, single submitter. Criteria: ACMG Guidelines, 2015. Collection method: clinical testing. Allele origin: germline. Affected: yes. Observed: 3 variant alleles.

Labcorp Genetics (formerly Invitae), Labcorp
Classification: Likely pathogenic for Telangiectasia, hereditary hemorrhagic, type 2. Last evaluated: 2019-06-27. Review status: criteria provided, single submitter. Criteria: Invitae Variant Classification Sherloc (09022015). Collection method: clinical testing. Allele origin: germline.
Comment: This sequence change replaces arginine with glycine at codon 374 of the ACVRL1 protein (p.Arg374Gly). The arginine residue is highly conserved and there is a moderate physicochemical difference between arginine and glycine. This variant is not present in population databases (ExAC no frequency). Algorithms developed to predict the effect of missense changes on protein structure and function (SIFT, PolyPhen-2, Align-GVGD) all suggest that this variant is likely to be disruptive, but these predictions have not been confirmed by published functional studies and their clinical significance is uncertain. This variant disrupts the p.Arg374 amino acid residue in ACVRL1. Other variant(s) that disrupt this residue have been determined to be pathogenic (PMID: 12700602, 18285823, 21158752, 25970827, 9245985, 23722869,15375013, 22991266, 15065824, 23805858). This suggests that this residue is clinically significant, and that variants that disrupt this residue are likely to be disease-causing. In summary, the currently available evidence indicates that the variant is pathogenic, but additional data are needed to prove that conclusively. Therefore, this variant has been classified as Likely Pathogenic.

Literature cited by the submitters: PubMed 12700602 (cited by Labcorp Genetics (formerly Invitae), Labcorp); PubMed 18285823 (cited by Labcorp Genetics (formerly Invitae), Labcorp); PubMed 21158752 (cited by Labcorp Genetics (formerly Invitae), Labcorp); PubMed 25970827 (cited by Labcorp Genetics (formerly Invitae), Labcorp); PubMed 9245985 (cited by Labcorp Genetics (formerly Invitae), Labcorp); PubMed 23722869 (cited by Labcorp Genetics (formerly Invitae), Labcorp); PubMed 15375013 (cited by Labcorp Genetics (formerly Invitae), Labcorp); PubMed 22991266 (cited by Labcorp Genetics (formerly Invitae), Labcorp); PubMed 15065824 (cited by Labcorp Genetics (formerly Invitae), Labcorp); PubMed 23805858 (cited by Labcorp Genetics (formerly Invitae), Labcorp).